The following is an entry in ClinVar:

NM_002546.4(TNFRSF11B):c.542A>T (p.His181Leu)

Gene: TNFRSF11B (TNF receptor superfamily member 11b; minus strand). Cytogenetic location: 8q24.12.
Variant type: single nucleotide variant.
Coding change: c.542A>T on transcript NM_002546.4 (MANE Select); coding-DNA position 542, A replaced by T.
Protein change: p.His181Leu; replaces histidine 181 with leucine.
Molecular consequence: missense variant.
Genome position (GRCh38, 1-based): chr8:118,928,788, T>A on the plus strand (A>T on the coding strand, the complement: TNFRSF11B is on the minus strand). VCF-style: chr8-118928788-T-A. GRCh37 (hg19) VCF-style: chr8-119941027-T-A.
Other names: c.542A>T (NM_002546.3); short protein forms H181L.
Identifiers: ClinVar variation 2170919 (VCV002170919.5), dbSNP rs550681267, ClinGen allele CA4854893.

ClinVar aggregate classification (germline): Uncertain significance. Review status: criteria provided, multiple submitters, no conflicts (2 of 4 stars). 2 submissions from 2 submitters: Uncertain significance (2). Last evaluated 2025-01-06.

Conditions:
Inborn genetic diseases. Identifiers: MedGen C0950123, MeSH D030342.

Allele frequency attached by ClinVar (database versions not stated): ExAC 0.00002; gnomAD 0.00013; 1000 Genomes Project 30x 0.00016; 1000 Genomes Project 0.00020.
gnomAD v4.1: 36 of 1,614,224 alleles (0.0022%); highest among the groups gnomAD compares: Admixed American, 0.042%; no homozygotes.

Submissions (2):

Labcorp Genetics (formerly Invitae), Labcorp
Classification: Uncertain significance. Last evaluated: 2025-01-06. Review status: criteria provided, single submitter. Criteria: Invitae Variant Classification Sherloc (09022015). Collection method: clinical testing. Allele origin: germline.
Comment: This sequence change replaces histidine, which is basic and polar, with leucine, which is neutral and non-polar, at codon 181 of the TNFRSF11B protein (p.His181Leu). This variant is present in population databases (rs550681267, gnomAD 0.009%). This variant has not been reported in the literature in individuals affected with TNFRSF11B-related conditions. ClinVar contains an entry for this variant (Variation ID: 2170919). Invitae Evidence Modeling of protein sequence and biophysical properties (such as structural, functional, and spatial information, amino acid conservation, physicochemical variation, residue mobility, and thermodynamic stability) indicates that this missense variant is not expected to disrupt TNFRSF11B protein function with a negative predictive value of 80%. In summary, the available evidence is currently insufficient to determine the role of this variant in disease. Therefore, it has been classified as a Variant of Uncertain Significance.

Ambry Genetics
Classification: Uncertain significance for Inborn genetic diseases. Last evaluated: 2023-11-22. Review status: criteria provided, single submitter. Criteria: Ambry Variant Classification Scheme 2023. Collection method: clinical testing. Allele origin: germline.